The following is an entry in ClinVar:

ClinVar aggregate classification (germline): Pathogenic/Likely pathogenic. Review status: criteria provided, multiple submitters, no conflicts (2 of 4 stars). 2 submissions from 2 submitters: Pathogenic (1); Likely pathogenic (1). Last evaluated 2022-04-28.

Conditions:
AHDC1-related intellectual disability - obstructive sleep apnea - mild dysmorphism syndrome. Also called: Xia-Gibbs syndrome. Identifiers: Orphanet 412069, MedGen C4014419, MONDO:0014358, OMIM 615829.
Inborn genetic diseases. Identifiers: MedGen C0950123, MeSH D030342.

Submissions (2):

MGZ Medical Genetics Center
Classification: Likely pathogenic for AHDC1-related intellectual disability - obstructive sleep apnea - mild dysmorphism syndrome. Last evaluated: 2022-04-28. Review status: criteria provided, single submitter. Criteria: ACMG Guidelines, 2015. Collection method: clinical testing. Allele origin: germline. Affected: yes. Observed: 1 variant allele.
Comment: ACMG criteria applied: PVS1, PM2_SUP

Ambry Genetics
Classification: Pathogenic for Inborn genetic diseases. Last evaluated: 2020-01-07. Review status: criteria provided, single submitter. Criteria: Ambry Variant Classification Scheme 2023. Collection method: clinical testing. Allele origin: germline.
Comment: The alteration results in a premature stop codon: _x000D_ _x000D_ The c.1433delT (p.M478Rfs*21) alteration, located in exon 6 (coding exon 1) of the AHDC1 gene, results from a deletion of one nucleotide from position 1433, causing a translational frameshift with a predicted alternate stop codon after 21 amino acids. Frameshifts are typically deleterious in nature; however, this frameshift occurs in this single coding exon of AHDC1, is not expected to trigger nonsense-mediated mRNA decay, and a truncated mutant protein could still be expressed (Maquat, 2004). However, this alteration impacts greater than 10% of the protein and additional truncating alterations downstream of this alteration have been reported in the literature as disease-causing (Jiang, 2018; Ritter, 2018). The alteration is not observed in population databases: _x000D_ _x000D_ Based on data from the Genome Aggregation Database (gnomAD), the AHDC1 c.1433delT alteration was not observed, with coverage at this position. Based on the available evidence, this alteration is classified as pathogenic.

Literature cited by the submitters: PubMed 29696776 (cited by Ambry Genetics); PubMed 30152016 (cited by Ambry Genetics).

NM_001371928.1(AHDC1):c.1433del (p.Met478fs)

Gene: AHDC1 (AT-hook DNA binding motif containing 1; minus strand). Cytogenetic location: 1p36.11.
Variant type: Deletion.
Coding change: c.1433del on transcript NM_001371928.1 (MANE Select); coding-DNA position 1433, one base deleted (T; older notation c.1433delT).
Protein change: p.Met478fs; shifts the reading frame from methionine 478.
Molecular consequence: frameshift variant.
Genome position (GRCh38, 1-based): chr1:27,550,683, A deleted on the plus strand (T on the coding strand, the reverse complement: AHDC1 is on the minus strand). VCF-style (leftmost placement, unchanged base first): chr1-27550682-CA-C. GRCh37 (hg19) VCF-style: chr1-27877193-CA-C.
Other names: c.1433del, p.Met478fs (NM_001029882.3); short protein forms M478fs.
Identifiers: ClinVar variation 985300 (VCV000985300.7), dbSNP rs2019490062, ClinGen allele CA1139656042.
Genomic context (GRCh38, chr1:27,550,682, plus strand): 5'-CAAGGAAGACACTTTGTATGTGGTCTTGTTCCGCCGCCCCAGCGATACGGGGATCTTGGC[CA>C]TCTTCACCACCATGCGCCGCACGCCCCGGCACTTGCCTTTGCGGGTAGAGACCACTGGGG-3'